The following is an entry in ClinVar:

NM_001291303.3(FAT4):c.4706A>G (p.Asn1569Ser)

Gene: FAT4 (FAT atypical cadherin 4; plus strand). Cytogenetic location: 4q28.1.
Variant type: single nucleotide variant.
Coding change: c.4706A>G on transcript NM_001291303.3 (MANE Select); coding-DNA position 4706, A replaced by G.
Protein change: p.Asn1569Ser; replaces asparagine 1569 with serine.
Molecular consequence: missense variant.
Genome position (GRCh38, 1-based): chr4:125,321,117, A>G. VCF-style: chr4-125321117-A-G. GRCh37 (hg19) VCF-style: chr4-126242272-A-G.
Other names: c.4706A>G, p.Asn1569Ser (NM_001291285.3, NM_024582.6); c.4706A>G (NM_024582.4, NM_024582.5); short protein forms N1569S.
Identifiers: ClinVar variation 1390958 (VCV001390958.9), dbSNP rs768412027, ClinGen allele CA3072503.

ClinVar aggregate classification (germline): Uncertain significance. Review status: criteria provided, multiple submitters, no conflicts (2 of 4 stars). 5 submissions from 5 submitters: Uncertain significance (5). Last evaluated 2026-06-10.

Conditions:
Inborn genetic diseases. Identifiers: MedGen C0950123, MeSH D030342.
Van Maldergem syndrome 2 (VMLDS2). Identifiers: Orphanet 314679, MedGen C3809875, MONDO:0014242, OMIM 615546.
Hennekam lymphangiectasia-lymphedema syndrome 2 (HKLLS2). Identifiers: Orphanet 2136, MedGen C4014939, MONDO:0014454, OMIM 616006.

Allele frequency attached by ClinVar (database versions not stated): gnomAD exomes 0.00003 and 0.00005; gnomAD 0.00005 and 0.00006; ExAC 0.00008; TOPMed 0.00014; 1000 Genomes Project 30x 0.00031.
gnomAD v4.1: 63 of 1,614,180 alleles (0.0039%); highest among the groups gnomAD compares: Middle Eastern, 0.033%; no homozygotes.

Submissions (5):

Women's Health and Genetics/Laboratory Corporation of America, LabCorp
Classification: Uncertain significance. Last evaluated: 2026-06-10. Review status: criteria provided, single submitter. Criteria: LabCorp Variant Classification Summary - May 2015. Collection method: clinical testing. Allele origin: germline.
Comment: Variant summary: FAT4 c.4706A>G (p.Asn1569Ser) results in a conservative amino acid change in the encoded protein sequence. Algorithms developed to predict the effect of missense changes on protein structure and function all suggest that this variant is likely to be tolerated. The variant allele was found at a frequency of 4.8e-05 in 249520 control chromosomes. This frequency is not significantly higher than estimated for disease-causing variants in FAT4, allowing no conclusion about variant significance. To our knowledge, no occurrence of c.4706A>G in individuals affected with FAT4-related conditions and no experimental evidence demonstrating its impact on protein function have been reported. ClinVar contains an entry for this variant (Variation ID: 1390958). Based on the evidence outlined above, the variant was classified as uncertain significance.

Ambry Genetics
Classification: Uncertain significance for Inborn genetic diseases. Last evaluated: 2025-08-06. Review status: criteria provided, single submitter. Criteria: Ambry Variant Classification Scheme 2023. Collection method: clinical testing. Allele origin: germline.

Labcorp Genetics (formerly Invitae), Labcorp
Classification: Uncertain significance. Last evaluated: 2024-10-16. Review status: criteria provided, single submitter. Criteria: Invitae Variant Classification Sherloc (09022015). Collection method: clinical testing. Allele origin: germline.
Comment: This sequence change replaces asparagine, which is neutral and polar, with serine, which is neutral and polar, at codon 1569 of the FAT4 protein (p.Asn1569Ser). This variant is present in population databases (rs768412027, gnomAD 0.01%). This variant has not been reported in the literature in individuals affected with FAT4-related conditions. ClinVar contains an entry for this variant (Variation ID: 1390958). Invitae Evidence Modeling of protein sequence and biophysical properties (such as structural, functional, and spatial information, amino acid conservation, physicochemical variation, residue mobility, and thermodynamic stability) indicates that this missense variant is not expected to disrupt FAT4 protein function with a negative predictive value of 95%. In summary, the available evidence is currently insufficient to determine the role of this variant in disease. Therefore, it has been classified as a Variant of Uncertain Significance.

Fulgent Genetics
Classification: Uncertain significance for Van Maldergem syndrome 2; Hennekam lymphangiectasia-lymphedema syndrome 2. Last evaluated: 2024-01-20. Review status: criteria provided, single submitter. Criteria: ACMG Guidelines, 2015. Collection method: clinical testing. Allele origin: germline.

Breakthrough Genomics
Classification: Uncertain significance. Review status: criteria provided, single submitter. Criteria: ACMG Guidelines, 2015. Collection method: not provided. Allele origin: germline. Inheritance: Autosomal recessive inheritance. Affected: yes.